The following is an entry in ClinVar:

ClinVar aggregate classification (germline): Uncertain significance (1 of 4 stars; one submission).

Conditions:
Atypical glycine encephalopathy. Also called: Glycine encephalopathy with normal serum glycine. Identifiers: Orphanet 289863, MedGen C4310943, MONDO:0015010, OMIM 617301.

gnomAD v4.1: 8 of 1,601,628 alleles (0.0005%); highest among the groups gnomAD compares: South Asian, 0.0011%; no homozygotes.

Submission:

Labcorp Genetics (formerly Invitae), Labcorp
Classification: Uncertain significance for Atypical glycine encephalopathy. Last evaluated: 2020-10-11. Review status: criteria provided, single submitter. Criteria: Invitae Variant Classification Sherloc (09022015). Collection method: clinical testing. Allele origin: germline.
Comment: This variant has not been reported in the literature in individuals with SLC6A9-related conditions. In summary, the available evidence is currently insufficient to determine the role of this variant in disease. Therefore, it has been classified as a Variant of Uncertain Significance. Nucleotide substitutions within the consensus splice site are a relatively common cause of aberrant splicing (PMID: 17576681, 9536098). Algorithms developed to predict the effect of sequence changes on RNA splicing suggest that this variant may disrupt the consensus splice site, but this prediction has not been confirmed by published transcriptional studies. Algorithms developed to predict the effect of missense changes on protein structure and function (SIFT, PolyPhen-2, Align-GVGD) all suggest that this variant is likely to be disruptive, but these predictions have not been confirmed by published functional studies and their clinical significance is uncertain. This variant is not present in population databases (ExAC no frequency). This sequence change replaces glycine with arginine at codon 552 of the SLC6A9 protein (p.Gly552Arg). The glycine residue is highly conserved and there is a moderate physicochemical difference between glycine and arginine. This variant also falls at the last nucleotide of exon 11 of the SLC6A9 coding sequence, which is part of the consensus splice site for this exon.

Literature cited by the submitters: PubMed 17576681; PubMed 9536098.

NM_001024845.3(SLC6A9):c.1435G>A (p.Gly479Arg)

Gene: SLC6A9 (solute carrier family 6 member 9; minus strand). Cytogenetic location: 1p34.1.
Variant type: single nucleotide variant.
Coding change: c.1435G>A on transcript NM_001024845.3 (MANE Select); coding-DNA position 1435, G replaced by A.
Protein change: p.Gly479Arg; replaces glycine 479 with arginine.
Molecular consequence: missense variant. On other transcripts: non-coding transcript variant (1).
Genome position (GRCh38, 1-based): chr1:44,000,956, C>T on the plus strand (G>A on the coding strand, the complement: SLC6A9 is on the minus strand). VCF-style: chr1-44000956-C-T. GRCh37 (hg19) VCF-style: chr1-44466628-C-T.
Other names: c.1447G>A, p.Gly483Arg (NM_001261380.2); c.1102G>A, p.Gly368Arg (NM_001328626.2, NM_001328630.2); c.1372G>A, p.Gly458Arg (NM_001328627.1); c.1240G>A, p.Gly414Arg (NM_001328628.1); c.1435G>A, p.Gly479Arg (NM_001328629.1); c.1492G>A, p.Gly498Arg (NM_006934.4); c.1654G>A, p.Gly552Arg (NM_201649.4); short protein forms G368R, G414R, G458R, G479R, G483R, G498R, G552R.
Identifiers: ClinVar variation 1011843 (VCV001011843.8), dbSNP rs1557668170, ClinGen allele CA340067998.